The following is an entry in ClinVar:

NM_052854.4(CREB3L1):c.517-3C>T

Gene: CREB3L1 (cAMP responsive element binding protein 3 like 1; plus strand). Cytogenetic location: 11p11.2.
Variant type: single nucleotide variant.
Coding change: c.517-3C>T on transcript NM_052854.4 (MANE Select); 3 bases into the intron before coding-DNA position 517, C replaced by T.
Molecular consequence: intron variant.
Genome position (GRCh38, 1-based): chr11:46,309,986, C>T. VCF-style: chr11-46309986-C-T. GRCh37 (hg19) VCF-style: chr11-46331537-C-T.
Identifiers: ClinVar variation 2413462 (VCV002413462.3), dbSNP rs1477537385, ClinGen allele CA599031005.

ClinVar aggregate classification (germline): Uncertain significance (1 of 4 stars; one submission).

Allele frequency attached by ClinVar (database versions not stated): gnomAD exomes below 0.00001; gnomAD 0.00002; TOPMed 0.00007.
gnomAD v4.1: 14 of 1,596,160 alleles (0.00088%); highest among the groups gnomAD compares: Admixed American, 0.0069%; no homozygotes.

Submission:

Labcorp Genetics (formerly Invitae), Labcorp
Classification: Uncertain significance. Last evaluated: 2024-11-05. Review status: criteria provided, single submitter. Criteria: Invitae Variant Classification Sherloc (09022015). Collection method: clinical testing. Allele origin: germline.
Comment: This sequence change falls in intron 3 of the CREB3L1 gene. It does not directly change the encoded amino acid sequence of the CREB3L1 protein. It affects a nucleotide within the consensus splice site. This variant is not present in population databases (gnomAD no frequency). This variant has not been reported in the literature in individuals affected with CREB3L1-related conditions. ClinVar contains an entry for this variant (Variation ID: 2413462). Variants that disrupt the consensus splice site are a relatively common cause of aberrant splicing (PMID: 17576681, 9536098). Algorithms developed to predict the effect of sequence changes on RNA splicing suggest that this variant is not likely to affect RNA splicing. In summary, the available evidence is currently insufficient to determine the role of this variant in disease. Therefore, it has been classified as a Variant of Uncertain Significance.

Literature cited by the submitters: PubMed 17576681; PubMed 9536098.